The following is an entry in ClinVar:

ClinVar aggregate classification (germline): Benign (0 of 4 stars; one submission).

Conditions:
UBR3-related disorder. Also called: UBR3-related condition.

Allele frequency attached by ClinVar (database versions not stated): gnomAD exomes 0.17860; ESP Exome Variant Server 0.20324; gnomAD 0.20386; TOPMed 0.20554; ExAC 0.24684; 1000 Genomes Project 30x 0.27405; 1000 Genomes Project 0.27716.
gnomAD v4.1: 281,950 of 1,551,452 alleles (18%); highest among the groups gnomAD compares: East Asian, 37%; 28,374 homozygotes.

Submission:

PreventionGenetics, part of Exact Sciences
Classification: Benign for UBR3-related condition. Last evaluated: 2019-10-21. Review status: no assertion criteria provided. Collection method: clinical testing. Allele origin: germline.
Comment: This variant is classified as benign based on ACMG/AMP sequence variant interpretation guidelines (Richards et al. 2015 PMID: 25741868, with internal and published modifications).

NM_172070.4(UBR3):c.1671A>T (p.Leu557=)

Gene: UBR3 (ubiquitin protein ligase E3 component n-recognin 3; plus strand). Cytogenetic location: 2q31.1.
Variant type: single nucleotide variant.
Coding change: c.1671A>T on transcript NM_172070.4 (MANE Select); coding-DNA position 1671, A replaced by T.
Protein change: p.Leu557=; no amino-acid change (leucine 557 retained).
Molecular consequence: synonymous variant.
Genome position (GRCh38, 1-based): chr2:169,906,056, A>T. VCF-style: chr2-169906056-A-T. GRCh37 (hg19) VCF-style: chr2-170762566-A-T.
Identifiers: ClinVar variation 3060992 (VCV003060992.2), dbSNP rs10194785, ClinGen allele CA1959875.
Genomic context (GRCh38, chr2:169,906,056, plus strand): 5'-TTGACAAGGTTTATATCTGCTTTAATTTTTGCCAGGTATGAACTTAAACAAGCGAGAACT[A>T]AACGAGCATGTGGAATTTGAGTCTCAGACCTACTATGCTGCCTTTGCTGCTGAACTTGAG-3'
Protein context (NP_742067.3, residues 547-567): FQGMNLNKRE[Leu557=]NEHVEFESQT